The following is an entry in ClinVar:

ClinVar aggregate classification (germline): Likely benign (1 of 4 stars; one submission).

Conditions:
CEP164-related disorder. Also called: CEP164-related condition.

gnomAD v4.1: 2 of 1,613,388 alleles (0.00012%); highest among the groups gnomAD compares: Non-Finnish European, 0.00017%; no homozygotes.

Submission:

PreventionGenetics, part of Exact Sciences
Classification: Likely benign for CEP164-related condition. Last evaluated: 2024-12-17. Review status: criteria provided, single submitter. Criteria: ACMG Guidelines, 2015. Collection method: clinical testing. Allele origin: germline.
Comment: This variant is classified as likely benign based on ACMG/AMP sequence variant interpretation guidelines (Richards et al. 2015 PMID: 25741868, with internal and published modifications).

NM_014956.5(CEP164):c.3039C>T (p.Ser1013=)

Gene: CEP164 (centrosomal protein 164; plus strand). Cytogenetic location: 11q23.3.
Variant type: single nucleotide variant.
Coding change: c.3039C>T on transcript NM_014956.5 (MANE Select); coding-DNA position 3039, C replaced by T.
Protein change: p.Ser1013=; no amino-acid change (serine 1013 retained).
Molecular consequence: synonymous variant.
Genome position (GRCh38, 1-based): chr11:117,395,672, C>T. VCF-style: chr11-117395672-C-T. GRCh37 (hg19) VCF-style: chr11-117266388-C-T.
Other names: c.3048C>T, p.Ser1016= (NM_001271933.2, NM_001440949.1); c.3039C>T, p.Ser1013= (NM_001440950.1, NM_001440951.1, NM_001440953.1); c.2874C>T, p.Ser958= (NM_001440952.1, NM_001440968.1, NM_001440969.1); c.2961C>T, p.Ser987= (NM_001440954.1, NM_001440955.1, NM_001440958.1 and 1 more transcripts); c.2952C>T, p.Ser984= (NM_001440956.1, NM_001440957.1); c.2910C>T, p.Ser970= (NM_001440960.1); c.2901C>T, p.Ser967= (NM_001440961.1, NM_001440967.1); c.2892C>T, p.Ser964= (NM_001440962.1, NM_001440963.1, NM_001440964.1 and 4 more transcripts); and 7 more.
Identifiers: ClinVar variation 4998293 (VCV004998293.1).